The following is an entry in ClinVar:

NM_002055.5(GFAP):c.601A>T (p.Arg201Trp)

Gene: GFAP (glial fibrillary acidic protein; minus strand). Cytogenetic location: 17q21.31.
Variant type: single nucleotide variant.
Coding change: c.601A>T on transcript NM_002055.5 (MANE Select); coding-DNA position 601, A replaced by T.
Protein change: p.Arg201Trp; replaces arginine 201 with tryptophan.
Molecular consequence: missense variant.
Genome position (GRCh38, 1-based): chr17:44,913,745, T>A on the plus strand (A>T on the coding strand, the complement: GFAP is on the minus strand). VCF-style: chr17-44913745-T-A. GRCh37 (hg19) VCF-style: chr17-42991113-T-A.
Other names: c.601A>T, p.Arg201Trp (NM_001131019.3, NM_001242376.3, NM_001363846.2); short protein forms R201W.
Identifiers: ClinVar variation 3634714 (VCV003634714.2).

ClinVar aggregate classification (germline): Uncertain significance (1 of 4 stars; one submission).

Submission:

Labcorp Genetics (formerly Invitae), Labcorp
Classification: Uncertain significance. Last evaluated: 2024-09-08. Review status: criteria provided, single submitter. Criteria: Invitae Variant Classification Sherloc (09022015). Collection method: clinical testing. Allele origin: germline.
Comment: This sequence change replaces arginine, which is basic and polar, with tryptophan, which is neutral and slightly polar, at codon 201 of the GFAP protein (p.Arg201Trp). This variant is not present in population databases (gnomAD no frequency). This variant has not been reported in the literature in individuals affected with GFAP-related conditions. Invitae Evidence Modeling of protein sequence and biophysical properties (such as structural, functional, and spatial information, amino acid conservation, physicochemical variation, residue mobility, and thermodynamic stability) has been performed for this missense variant. However, the output from this modeling did not meet the statistical confidence thresholds required to predict the impact of this variant on GFAP protein function. In summary, the available evidence is currently insufficient to determine the role of this variant in disease. Therefore, it has been classified as a Variant of Uncertain Significance.